The following is an entry in ClinVar:

NM_000130.5(F5):c.1573A>G (p.Ile525Val)

Gene: F5 (coagulation factor V; minus strand). Cytogenetic location: 1q24.2.
Variant type: single nucleotide variant.
Coding change: c.1573A>G on transcript NM_000130.5 (MANE Select); coding-DNA position 1573, A replaced by G.
Protein change: p.Ile525Val; replaces isoleucine 525 with valine.
Molecular consequence: missense variant.
Genome position (GRCh38, 1-based): chr1:169,549,839, T>C on the plus strand (A>G on the coding strand, the complement: F5 is on the minus strand). VCF-style: chr1-169549839-T-C. GRCh37 (hg19) VCF-style: chr1-169519077-T-C.
Other names: short protein forms I525V.
Identifiers: ClinVar variation 4993561 (VCV004993561.1).
Genomic context (GRCh38, chr1:169,549,839, plus strand): 5'-GGTTACTTCAAGGACAAAATACCTGTATTCCTCGCCTGTCCAGGGATCTGCTCTTACAGA[T>C]TAGAAGTAGTCCTATTAGCCCAGAGGCGATGTCTCTCATGATGTCCACGTCACTGTAGTA-3'
Protein context (NP_000121.2, residues 515-535): IASGLIGLLL[Ile525Val]CKSRSLDRRG

ClinVar aggregate classification (germline): Uncertain significance (1 of 4 stars; one submission).

Conditions:
F5-related disorder. Also called: F5-related condition.

gnomAD v4.1: 1 of 1,614,058 alleles (0.000062%); highest among the groups gnomAD compares: Admixed American, 0.0017%; no homozygotes.

Submission:

PreventionGenetics, part of Exact Sciences
Classification: Uncertain significance for F5-related condition. Last evaluated: 2025-10-03. Review status: criteria provided, single submitter. Criteria: ACMG Guidelines, 2015. Collection method: clinical testing. Allele origin: germline.
Comment: The F5 c.1573A>G variant is predicted to result in the amino acid substitution p.Ile525Val. To our knowledge, this variant has not been reported in the literature. This variant is reported in 0.0029% of alleles in individuals of Latino descent in gnomAD. At this time, the clinical significance of this variant is uncertain due to the absence of conclusive functional and genetic evidence.